The following is an entry in ClinVar:

NM_000038.6(APC):c.2852A>T (p.Tyr951Phe)

Gene: APC (APC regulator of Wnt signaling pathway; plus strand). Cytogenetic location: 5q22.2.
Variant type: single nucleotide variant.
Coding change: c.2852A>T on transcript NM_000038.6 (MANE Select); coding-DNA position 2852, A replaced by T.
Protein change: p.Tyr951Phe; replaces tyrosine 951 with phenylalanine.
Molecular consequence: missense variant.
Genome position (GRCh38, 1-based): chr5:112,838,446, A>T. VCF-style: chr5-112838446-A-T. GRCh37 (hg19) VCF-style: chr5-112174143-A-T.
Other names: c.2852A>T, p.Tyr951Phe (NM_001127510.3, NM_001354895.2); c.2798A>T, p.Tyr933Phe (NM_001127511.3); c.2906A>T, p.Tyr969Phe (NM_001354896.2); c.2882A>T, p.Tyr961Phe (NM_001354897.2); c.2777A>T, p.Tyr926Phe (NM_001354898.2); c.2768A>T, p.Tyr923Phe (NM_001354899.2); c.2729A>T, p.Tyr910Phe (NM_001354900.2); c.2675A>T, p.Tyr892Phe (NM_001354901.2); and 5 more; short protein forms Y933F, Y961F, Y791F, Y850F, Y892F, Y910F, Y926F, Y951F.
Identifiers: ClinVar variation 955046 (VCV000955046.12), dbSNP rs756210930, ClinGen allele CA033735.

ClinVar aggregate classification (germline): Uncertain significance. Review status: criteria provided, multiple submitters, no conflicts (2 of 4 stars). 2 submissions from 2 submitters: Uncertain significance (2). Last evaluated 2024-04-25.

Conditions:
Familial adenomatous polyposis 1 (FAP1). Also called: FAMILIAL ADENOMATOUS POLYPOSIS 1, ATTENUATED; POLYPOSIS, ADENOMATOUS INTESTINAL. Identifiers: MedGen C2713442, MONDO:0021056, OMIM 175100. Disease mechanism: loss of function.

Allele frequency attached by ClinVar (database versions not stated): gnomAD exomes below 0.00001; ExAC 0.00001.
gnomAD v4.1: 4 of 1,614,228 alleles (0.00025%); highest among the groups gnomAD compares: South Asian, 0.0011%; no homozygotes.

Submissions (2):

Labcorp Genetics (formerly Invitae), Labcorp
Classification: Uncertain significance for Familial adenomatous polyposis 1. Last evaluated: 2024-04-25. Review status: criteria provided, single submitter. Criteria: Invitae Variant Classification Sherloc (09022015). Collection method: clinical testing. Allele origin: germline.
Comment: This sequence change replaces tyrosine, which is neutral and polar, with phenylalanine, which is neutral and non-polar, at codon 951 of the APC protein (p.Tyr951Phe). This variant is present in population databases (rs756210930, gnomAD 0.003%). This variant has not been reported in the literature in individuals affected with APC-related conditions. ClinVar contains an entry for this variant (Variation ID: 955046). Advanced modeling of protein sequence and biophysical properties (such as structural, functional, and spatial information, amino acid conservation, physicochemical variation, residue mobility, and thermodynamic stability) performed at Invitae indicates that this missense variant is not expected to disrupt APC protein function with a negative predictive value of 95%. In summary, the available evidence is currently insufficient to determine the role of this variant in disease. Therefore, it has been classified as a Variant of Uncertain Significance.

Baylor Genetics
Classification: Uncertain significance for Familial adenomatous polyposis 1. Last evaluated: 2023-10-12. Review status: criteria provided, single submitter. Criteria: ACMG Guidelines, 2015. Collection method: clinical testing. Allele origin: unknown.